The following is an entry in ClinVar:

NM_015365.3(AMMECR1):c.454dup (p.Arg152fs)

Gene: AMMECR1 (AMMECR nuclear protein 1; minus strand). Cytogenetic location: Xq23.
Variant type: Duplication.
Coding change: c.454dup on transcript NM_015365.3 (MANE Select); coding-DNA position 454, one base duplicated (C; older notation c.454dupC).
Protein change: p.Arg152fs; shifts the reading frame from arginine 152.
Molecular consequence: frameshift variant.
Genome position (GRCh38, 1-based): chrX:110,317,618, G duplicated on the plus strand (C on the coding strand, the reverse complement: AMMECR1 is on the minus strand); the first of 6 consecutive G bases (chrX:110,317,618-110,317,623); duplicating any one gives the same sequence. VCF-style (leftmost placement, unchanged base first): chrX-110317617-C-CG. GRCh37 (hg19) VCF-style: chrX-109560845-C-CG.
Other names: c.454dupC (NM_015365.3, NM_015365.2); c.454dup, p.Arg152fs (NM_001025580.2); c.85dup, p.Arg29fs (NM_001171689.2); short protein forms R152fs, R29fs.
Identifiers: ClinVar variation 817076 (VCV000817076.5), dbSNP rs1569405174, ClinGen allele CA915951336.

ClinVar aggregate classification (germline): Pathogenic. Review status: criteria provided, multiple submitters, no conflicts (2 of 4 stars). 3 submissions from 3 submitters: Pathogenic (3). Last evaluated 2023-10-04.

Conditions:
Midface hypoplasia, hearing impairment, elliptocytosis, and nephrocalcinosis (MFHIEN). Identifiers: Orphanet 688581, MedGen C4310810, MONDO:0010516, OMIM 300990.
AMMECR1-related disorder. Also called: AMMECR1-related condition.

Submissions (3):

Blueprint Genetics
Classification: Pathogenic for AMMECR1-related disorders. Last evaluated: 2023-10-04. Review status: criteria provided, single submitter. Criteria: ACMG Guidelines, 2015. Collection method: clinical testing. Allele origin: germline. Affected: yes. Observed: 1 variant allele.

Department of Endocrinology and Genetics, Fuzhou Children’s Hospital of Fujian Medical University
Classification: Pathogenic for Midface hypoplasia, hearing impairment, elliptocytosis, and nephrocalcinosis. Last evaluated: 2023-07-11. Review status: criteria provided, single submitter. Criteria: ACMG Guidelines, 2015. Collection method: clinical testing. Allele origin: de novo. Affected: yes.

GeneDx
Classification: Pathogenic. Last evaluated: 2020-04-07. Review status: criteria provided, single submitter. Criteria: GeneDx Variant Classification Process June 2021. Collection method: clinical testing. Allele origin: germline. Affected: yes.
Comment: Frameshift variant predicted to result in protein truncation or nonsense mediated decay in a gene for which loss-of-function is not a known mechanism of disease; Not observed in large population cohorts (Lek et al., 2016); Has not been previously published as pathogenic or benign to our knowledge

Literature cited by the submitters: PubMed 27811305 (cited by Department of Endocrinology and Genetics, Fuzhou Children’s Hospital of Fujian Medical University).